The following is an entry in ClinVar:

NM_024426.6(WT1):c.221T>G (p.Met74Arg)

Genes: WT1 (WT1 transcription factor; minus strand), LOC107982234 (WT1/WT1-AS bi-directional promoter region; plus strand). Cytogenetic location: 11p13.
Variant type: single nucleotide variant.
Coding change: c.221T>G on transcript NM_024426.6 (MANE Select); coding-DNA position 221, T replaced by G.
Protein change: p.Met74Arg; replaces methionine 74 with arginine.
Molecular consequence: missense variant. On other transcripts: initiator codon variant (4), non-coding transcript variant (2).
Genome position (GRCh38, 1-based): chr11:32,435,140, A>C on the plus strand (T>G on the coding strand, the complement: WT1 is on the minus strand). VCF-style: chr11-32435140-A-C. GRCh37 (hg19) VCF-style: chr11-32456686-A-C.
Other names: c.221T>G, p.Met74Arg (NM_000378.6, NM_001407044.1, NM_001407045.1 and 6 more transcripts); c.2T>G, p.Met1Arg (NM_001429031.1, NM_001429032.1, NM_001429033.1 and 1 more transcripts); short protein forms M1R, M69R, M74R.
Identifiers: ClinVar variation 4634882 (VCV004634882.1).

ClinVar aggregate classification (germline): Uncertain significance (1 of 4 stars; one submission).

Conditions:
Inborn genetic diseases. Identifiers: MedGen C0950123, MeSH D030342.

Submission:

Ambry Genetics
Classification: Uncertain significance for Inborn genetic diseases. Last evaluated: 2025-12-10. Review status: criteria provided, single submitter. Criteria: Ambry Variant Classification Scheme 2023. Collection method: clinical testing. Allele origin: germline.
Comment: The p.M69R variant (also known as c.206T>G), located in coding exon 1 of the WT1 gene, results from a T to G substitution at nucleotide position 206. The methionine at codon 69 is replaced by arginine, an amino acid with similar properties. This amino acid position is conserved. In addition, the in silico prediction for this alteration is inconclusive. Based on the available evidence, the clinical significance of this variant remains unclear.